The following is an entry in ClinVar:

ClinVar aggregate classification (germline): Uncertain significance (1 of 4 stars; one submission).

Conditions:
Cardiovascular phenotype. Identifiers: MedGen CN230736.

gnomAD v4.1: 2 of 1,613,076 alleles (0.00012%); highest among the groups gnomAD compares: Middle Eastern, 0.033%; no homozygotes.

Submission:

Ambry Genetics
Classification: Uncertain significance for Cardiovascular phenotype. Last evaluated: 2023-11-04. Review status: criteria provided, single submitter. Criteria: Ambry Variant Classification Scheme 2023. Collection method: clinical testing. Allele origin: germline.
Comment: The p.G1287V variant (also known as c.3860G>T), located in coding exon 13 of the AKAP9 gene, results from a G to T substitution at nucleotide position 3860. The glycine at codon 1287 is replaced by valine, an amino acid with dissimilar properties. This amino acid position is conserved. In addition, this alteration is predicted to be tolerated by in silico analysis. Since supporting evidence is limited at this time, the clinical significance of this alteration remains unclear.

NM_005751.5(AKAP9):c.3860G>T (p.Gly1287Val)

Gene: AKAP9 (A-kinase anchoring protein 9; plus strand). Cytogenetic location: 7q21.2.
Variant type: single nucleotide variant.
Coding change: c.3860G>T on transcript NM_005751.5 (MANE Select); coding-DNA position 3860, G replaced by T.
Protein change: p.Gly1287Val; replaces glycine 1287 with valine.
Molecular consequence: missense variant.
Genome position (GRCh38, 1-based): chr7:92,022,260, G>T. VCF-style: chr7-92022260-G-T. GRCh37 (hg19) VCF-style: chr7-91651574-G-T.
Other names: c.3860G>T, p.Gly1287Val (NM_147185.3); short protein forms G1287V.
Identifiers: ClinVar variation 3225055 (VCV003225055.1), dbSNP rs752180431, ClinGen allele CA368127417.